The following is an entry in ClinVar:

ClinVar aggregate classification (germline): Uncertain significance (1 of 4 stars; one submission).

Conditions:
Hereditary cancer-predisposing syndrome. Also called: Neoplastic Syndromes, Hereditary; Tumor predisposition; Hereditary Cancer Syndrome; Hereditary neoplastic syndrome. Identifiers: Orphanet 140162, MedGen C0027672, MeSH D009386, MONDO:0015356.

Submission:

Ambry Genetics
Classification: Uncertain significance for Hereditary cancer-predisposing syndrome. Last evaluated: 2024-05-11. Review status: criteria provided, single submitter. Criteria: Ambry Variant Classification Scheme 2023. Collection method: clinical testing. Allele origin: germline.
Comment: The p.E2847K variant (also known as c.8539G>A), located in coding exon 57 of the ATM gene, results from a G to A substitution at nucleotide position 8539. The glutamic acid at codon 2847 is replaced by lysine, an amino acid with similar properties. This amino acid position is conserved. In addition, this alteration is predicted to be deleterious by in silico analysis. Based on the available evidence, the clinical significance of this variant remains unclear.

NM_000051.4(ATM):c.8539G>A (p.Glu2847Lys)

Genes: ATM (ATM serine/threonine kinase; plus strand), C11orf65 (chromosome 11 open reading frame 65; minus strand). Cytogenetic location: 11q22.3.
Variant type: single nucleotide variant.
Coding change: c.8539G>A on transcript NM_000051.4 (MANE Select); coding-DNA position 8539, G replaced by A.
Protein change: p.Glu2847Lys; replaces glutamic acid 2847 with lysine.
Molecular consequence: missense variant. On other transcripts: intron variant (2).
Genome position (GRCh38, 1-based): chr11:108,345,863, G>A. VCF-style: chr11-108345863-G-A. GRCh37 (hg19) VCF-style: chr11-108216590-G-A.
Other names: c.8539G>A, p.Glu2847Lys (NM_001351834.2); c.641-36792C>T (NM_001330368.2); c.695-10571C>T (NM_001351110.2); short protein forms E2847K.
Identifiers: ClinVar variation 3326072 (VCV003326072.1).